The following is an entry in ClinVar:

NM_001843.4(CNTN1):c.1913C>A (p.Thr638Asn)

Gene: CNTN1 (contactin 1; plus strand). Cytogenetic location: 12q12.
Variant type: single nucleotide variant.
Coding change: c.1913C>A on transcript NM_001843.4 (MANE Select); coding-DNA position 1913, C replaced by A.
Protein change: p.Thr638Asn; replaces threonine 638 with asparagine.
Molecular consequence: missense variant.
Genome position (GRCh38, 1-based): chr12:40,981,017, C>A. VCF-style: chr12-40981017-C-A. GRCh37 (hg19) VCF-style: chr12-41374819-C-A.
Other names: c.1880C>A, p.Thr627Asn (NM_175038.2); short protein forms T627N, T638N.
Identifiers: ClinVar variation 1310571 (VCV001310571.2), dbSNP rs2120374665, ClinGen allele CA384585957.

ClinVar aggregate classification (germline): Uncertain significance (1 of 4 stars; one submission).

Allele frequency attached by ClinVar (database versions not stated): gnomAD exomes below 0.00001.
gnomAD v4.1: 1 of 1,613,516 alleles (0.000062%); highest among the groups gnomAD compares: Non-Finnish European, 0.000085%; no homozygotes.

Submission:

GeneDx
Classification: Uncertain significance. Last evaluated: 2019-11-26. Review status: criteria provided, single submitter. Criteria: GeneDx Variant Classification Process June 2021. Collection method: clinical testing. Allele origin: germline. Affected: yes.
Comment: Not observed in large population cohorts (Lek et al., 2016); In silico analysis, which includes protein predictors and evolutionary conservation, supports that this variant does not alter protein structure/function; Has not been previously published as pathogenic or benign to our knowledge